The following is an entry in ClinVar:

ClinVar aggregate classification (germline): Uncertain significance. Review status: criteria provided, multiple submitters, no conflicts (2 of 4 stars). 2 submissions from 2 submitters: Uncertain significance (2). Last evaluated 2025-10-27.

Conditions:
Tuberous sclerosis 1 (TSC1). Identifiers: Orphanet 805, MedGen C1854465, MONDO:0008612, OMIM 191100.
Hereditary cancer-predisposing syndrome. Also called: Hereditary neoplastic syndrome; Neoplastic Syndromes, Hereditary; Tumor predisposition; Hereditary Cancer Syndrome. Identifiers: Orphanet 140162, MedGen C0027672, MeSH D009386, MONDO:0015356.

Allele frequency attached by ClinVar (database versions not stated): gnomAD exomes 0.00001.

Submissions (2):

Labcorp Genetics (formerly Invitae), Labcorp
Classification: Uncertain significance for Tuberous sclerosis 1. Last evaluated: 2025-10-27. Review status: criteria provided, single submitter. Criteria: Invitae Variant Classification Sherloc (09022015). Collection method: clinical testing. Allele origin: germline.
Comment: This sequence change replaces alanine, which is neutral and non-polar, with valine, which is neutral and non-polar, at codon 817 of the TSC1 protein (p.Ala817Val). This variant is not present in population databases (gnomAD no frequency). This variant has not been reported in the literature in individuals affected with TSC1-related conditions. ClinVar contains an entry for this variant (Variation ID: 1042482). Invitae Evidence Modeling of protein sequence and biophysical properties (such as structural, functional, and spatial information, amino acid conservation, physicochemical variation, residue mobility, and thermodynamic stability) indicates that this missense variant is not expected to disrupt TSC1 protein function with a negative predictive value of 95%. In summary, the available evidence is currently insufficient to determine the role of this variant in disease. Therefore, it has been classified as a Variant of Uncertain Significance.

Ambry Genetics
Classification: Uncertain significance for Hereditary cancer-predisposing syndrome. Last evaluated: 2022-09-04. Review status: criteria provided, single submitter. Criteria: Ambry Variant Classification Scheme 2023. Collection method: clinical testing. Allele origin: germline.
Comment: The p.A817V variant (also known as c.2450C>T), located in coding exon 17 of the TSC1 gene, results from a C to T substitution at nucleotide position 2450. The alanine at codon 817 is replaced by valine, an amino acid with similar properties. This amino acid position is conserved. In addition, this alteration is predicted to be deleterious by in silico analysis. Since supporting evidence is limited at this time, the clinical significance of this alteration remains unclear.

NM_000368.5(TSC1):c.2450C>T (p.Ala817Val)

Gene: TSC1 (TSC complex subunit 1; minus strand). Cytogenetic location: 9q34.13.
Variant type: single nucleotide variant.
Coding change: c.2450C>T on transcript NM_000368.5 (MANE Select); coding-DNA position 2450, C replaced by T.
Protein change: p.Ala817Val; replaces alanine 817 with valine.
Molecular consequence: missense variant.
Genome position (GRCh38, 1-based): chr9:132,901,641, G>A on the plus strand (C>T on the coding strand, the complement: TSC1 is on the minus strand). VCF-style: chr9-132901641-G-A. GRCh37 (hg19) VCF-style: chr9-135777028-G-A.
Other names: c.2447C>T, p.Ala816Val (NM_001162426.2); c.2297C>T, p.Ala766Val (NM_001162427.2); c.2087C>T, p.Ala696Val (NM_001362177.2); short protein forms A696V, A766V, A816V, A817V.
Identifiers: ClinVar variation 1042482 (VCV001042482.11), dbSNP rs1845377267, ClinGen allele CA375358544.
Genomic context (GRCh38, chr9:132,901,641, plus strand): 5'-CTTCTTACCTTTTGGGAAACCTGACTGAGCAGCAGCTCAGTGTGACACACCTTGTTGTTG[G>A]CCTTCTTCAGTTCTATCCGCAGCTCCGCAATCATGTTCCTGCAGTCCTCCAGCTTCGTCT-3'
Protein context (NP_000359.1, residues 807-827): IAELRIELKK[Ala817Val]NNKVCHTELL